The following is an entry in ClinVar:

NM_002435.3(MPI):c.707A>C (p.Glu236Ala)

Gene: MPI (mannose phosphate isomerase; plus strand). Cytogenetic location: 15q24.1.
Variant type: single nucleotide variant.
Coding change: c.707A>C on transcript NM_002435.3 (MANE Select); coding-DNA position 707, A replaced by C.
Protein change: p.Glu236Ala; replaces glutamic acid 236 with alanine.
Molecular consequence: missense variant.
Genome position (GRCh38, 1-based): chr15:74,896,188, A>C. VCF-style: chr15-74896188-A-C. GRCh37 (hg19) VCF-style: chr15-75188529-A-C.
Other names: c.707A>C, p.Glu236Ala (NM_001289155.2); c.557A>C, p.Glu186Ala (NM_001289156.2); c.524A>C, p.Glu175Ala (NM_001289157.2); c.647A>C, p.Glu216Ala (NM_001330372.2); short protein forms E175A, E186A, E216A, E236A.
Identifiers: ClinVar variation 4807645 (VCV004807645.1).

ClinVar aggregate classification (germline): Uncertain significance (1 of 4 stars; one submission).

Conditions:
MPI-congenital disorder of glycosylation. Also called: CONGENITAL DISORDER OF GLYCOSYLATION, TYPE Ib; CDG Ib; MANNOSEPHOSPHATE ISOMERASE DEFICIENCY; PROTEIN-LOSING ENTEROPATHY-HEPATIC FIBROSIS SYNDROME; MPI-CDG; MPI DEFICIENCY. Identifiers: Orphanet 79319, MedGen C1865145, MONDO:0011257, OMIM 602579.

gnomAD v4.1: 1 of 1,613,966 alleles (0.000062%); highest among the groups gnomAD compares: Non-Finnish European, 0.000085%; no homozygotes.

Submission:

Labcorp Genetics (formerly Invitae), Labcorp
Classification: Uncertain significance for MPI-congenital disorder of glycosylation. Last evaluated: 2025-05-14. Review status: criteria provided, single submitter. Criteria: Invitae Variant Classification Sherloc (09022015). Collection method: clinical testing. Allele origin: germline.
Comment: This sequence change replaces glutamic acid, which is acidic and polar, with alanine, which is neutral and non-polar, at codon 236 of the MPI protein (p.Glu236Ala). This variant is not present in population databases (gnomAD no frequency). This variant has not been reported in the literature in individuals affected with MPI-related conditions. Invitae Evidence Modeling of protein sequence and biophysical properties (such as structural, functional, and spatial information, amino acid conservation, physicochemical variation, residue mobility, and thermodynamic stability) indicates that this missense variant is not expected to disrupt MPI protein function with a negative predictive value of 80%. In summary, the available evidence is currently insufficient to determine the role of this variant in disease. Therefore, it has been classified as a Variant of Uncertain Significance.